The following is an entry in ClinVar:

ClinVar aggregate classification (germline): Uncertain significance (1 of 4 stars; one submission).

Submission:

Labcorp Genetics (formerly Invitae), Labcorp
Classification: Uncertain significance. Last evaluated: 2022-03-19. Review status: criteria provided, single submitter. Criteria: Invitae Variant Classification Sherloc (09022015). Collection method: clinical testing. Allele origin: germline.
Comment: This variant is not present in population databases (gnomAD no frequency). This variant has not been reported in the literature in individuals affected with EARS2-related conditions. Algorithms developed to predict the effect of missense changes on protein structure and function (SIFT, PolyPhen-2, Align-GVGD) all suggest that this variant is likely to be disruptive. In summary, the available evidence is currently insufficient to determine the role of this variant in disease. Therefore, it has been classified as a Variant of Uncertain Significance. This sequence change replaces arginine, which is basic and polar, with threonine, which is neutral and polar, at codon 288 of the EARS2 protein (p.Arg288Thr).

NM_001083614.2(EARS2):c.863G>C (p.Arg288Thr)

Gene: EARS2 (glutamyl-tRNA synthetase 2, mitochondrial; minus strand). Cytogenetic location: 16p12.2.
Variant type: single nucleotide variant.
Coding change: c.863G>C on transcript NM_001083614.2 (MANE Select); coding-DNA position 863, G replaced by C.
Protein change: p.Arg288Thr; replaces arginine 288 with threonine.
Molecular consequence: missense variant. On other transcripts: non-coding transcript variant (1).
Genome position (GRCh38, 1-based): chr16:23,534,983, C>G on the plus strand (G>C on the coding strand, the complement: EARS2 is on the minus strand). VCF-style: chr16-23534983-C-G. GRCh37 (hg19) VCF-style: chr16-23546304-C-G.
Other names: c.863G>C, p.Arg288Thr (NM_001308211.1, NM_133451.1); short protein forms R288T.
Identifiers: ClinVar variation 1935767 (VCV001935767.5), dbSNP rs749463634, ClinGen allele CA395132994.